The following is an entry in ClinVar:

NM_020987.5(ANK3):c.1940C>T (p.Ala647Val)

Gene: ANK3 (ankyrin 3; minus strand). Cytogenetic location: 10q21.2.
Variant type: single nucleotide variant.
Coding change: c.1940C>T on transcript NM_020987.5 (MANE Select); coding-DNA position 1940, C replaced by T.
Protein change: p.Ala647Val; replaces alanine 647 with valine.
Molecular consequence: missense variant.
Genome position (GRCh38, 1-based): chr10:60,186,860, G>A on the plus strand (C>T on the coding strand, the complement: ANK3 is on the minus strand). VCF-style: chr10-60186860-G-A. GRCh37 (hg19) VCF-style: chr10-61946618-G-A.
Other names: c.1922C>T, p.Ala641Val (NM_001204403.2); c.1889C>T, p.Ala630Val (NM_001204404.2); c.1940C>T, p.Ala647Val (NM_001320874.2); short protein forms A641V, A630V, A647V.
Identifiers: ClinVar variation 4752839 (VCV004752839.1).
Genomic context (GRCh38, chr10:60,186,860, plus strand): 5'-GAAGCAATTCCTTGCCGGGTAACTGCGTTGGCATCAGCACCATATTCCAGCAGAGTTGTC[G>A]CTATGTCCATCTGGTTCTTTTTGGCAGCGATGTGCAGTGGCGTATAACCATTCTGTCAAC-3'
Protein context (NP_066267.2, residues 637-657): IAAKKNQMDI[Ala647Val]TTLLEYGADA

ClinVar aggregate classification (germline): Uncertain significance (1 of 4 stars; one submission).

gnomAD v4.1: 55 of 1,614,048 alleles (0.0034%); highest among the groups gnomAD compares: Non-Finnish European, 0.004%; no homozygotes.

Submission:

Labcorp Genetics (formerly Invitae), Labcorp
Classification: Uncertain significance. Last evaluated: 2025-12-04. Review status: criteria provided, single submitter. Criteria: Invitae Variant Classification Sherloc (09022015). Collection method: clinical testing. Allele origin: germline.
Comment: This sequence change replaces alanine, which is neutral and non-polar, with valine, which is neutral and non-polar, at codon 647 of the ANK3 protein (p.Ala647Val). This variant is present in population databases (no rsID available, gnomAD 0.01%). This variant has not been reported in the literature in individuals affected with ANK3-related conditions. Invitae Evidence Modeling of protein sequence and biophysical properties (such as structural, functional, and spatial information, amino acid conservation, physicochemical variation, residue mobility, and thermodynamic stability) indicates that this missense variant is not expected to disrupt ANK3 protein function with a negative predictive value of 80%. In summary, the available evidence is currently insufficient to determine the role of this variant in disease. Therefore, it has been classified as a Variant of Uncertain Significance.